The following is an entry in ClinVar:

ClinVar aggregate classification (germline): Uncertain significance (1 of 4 stars; one submission).

Conditions:
Familial thoracic aortic aneurysm and aortic dissection (TAAD). Also called: Thoracic aortic aneurysms and dissections. Identifiers: Orphanet 91387, MedGen C4707243, MONDO:0019625.

Allele frequency attached by ClinVar (database versions not stated): ExAC 0.00001; gnomAD 0.00001.
gnomAD v4.1: 4 of 1,614,094 alleles (0.00025%); highest among the groups gnomAD compares: African/African-American, 0.0053%; no homozygotes.

Submission:

Ambry Genetics
Classification: Uncertain significance for Familial thoracic aortic aneurysm and aortic dissection. Last evaluated: 2023-03-29. Review status: criteria provided, single submitter. Criteria: Ambry Variant Classification Scheme 2023. Collection method: clinical testing. Allele origin: germline.
Comment: The p.V223F variant (also known as c.667G>T), located in coding exon 5 of the MYLK gene, results from a G to T substitution at nucleotide position 667. The valine at codon 223 is replaced by phenylalanine, an amino acid with highly similar properties. This amino acid position is conserved. In addition, the in silico prediction for this alteration is inconclusive. Since supporting evidence is limited at this time, the clinical significance of this alteration remains unclear.

NM_053025.4(MYLK):c.667G>T (p.Val223Phe)

Gene: MYLK (myosin light chain kinase; minus strand). Cytogenetic location: 3q21.1.
Variant type: single nucleotide variant.
Coding change: c.667G>T on transcript NM_053025.4 (MANE Select); coding-DNA position 667, G replaced by T.
Protein change: p.Val223Phe; replaces valine 223 with phenylalanine.
Molecular consequence: missense variant.
Genome position (GRCh38, 1-based): chr3:123,737,465, C>A on the plus strand (G>T on the coding strand, the complement: MYLK is on the minus strand). VCF-style: chr3-123737465-C-A. GRCh37 (hg19) VCF-style: chr3-123456312-C-A.
Other names: c.139G>T, p.Val47Phe (NM_001321309.2); c.667G>T, p.Val223Phe (NM_053026.4, NM_053027.4, NM_053028.4); short protein forms V223F, V47F.
Identifiers: ClinVar variation 2562400 (VCV002562400.2), dbSNP rs773207592, ClinGen allele CA073427.